The following is an entry in ClinVar:

NM_001374736.1(DST):c.12210G>T (p.Lys4070Asn)

Gene: DST (dystonin; minus strand). Cytogenetic location: 6p12.1.
Variant type: single nucleotide variant.
Coding change: c.12210G>T on transcript NM_001374736.1 (MANE Select); coding-DNA position 12210, G replaced by T.
Protein change: p.Lys4070Asn; replaces lysine 4070 with asparagine.
Molecular consequence: missense variant.
Genome position (GRCh38, 1-based): chr6:56,594,179, C>A on the plus strand (G>T on the coding strand, the complement: DST is on the minus strand). VCF-style: chr6-56594179-C-A. GRCh37 (hg19) VCF-style: chr6-56458977-C-A.
Other names: c.5853G>T, p.Lys1951Asn (NM_001144769.5); c.5439G>T, p.Lys1813Asn (NM_001144770.2); c.12210G>T, p.Lys4070Asn (NM_001374722.1); c.11577G>T, p.Lys3859Asn (NM_001374729.1); c.5319G>T, p.Lys1773Asn (NM_001374730.1, NM_183380.4); c.12237G>T, p.Lys4079Asn (NM_001374734.1); c.4341G>T, p.Lys1447Asn (NM_015548.5); short protein forms K4079N, K1447N, K1773N, K1813N, K3859N, K1951N, K4070N.
Identifiers: ClinVar variation 966176 (VCV000966176.8), dbSNP rs778224745, ClinGen allele CA3868474.

ClinVar aggregate classification (germline): Uncertain significance. Review status: criteria provided, multiple submitters, no conflicts (2 of 4 stars). 2 submissions from 2 submitters: Uncertain significance (2). Last evaluated 2025-11-24.

Conditions:
Inborn genetic diseases. Identifiers: MedGen C0950123, MeSH D030342.
Hereditary sensory and autonomic neuropathy type 6. Also called: Neuropathy, hereditary sensory and autonomic, type VI; HSAN VI. Identifiers: Orphanet 314381, MedGen C3539003, MONDO:0013839, OMIM 614653.
Epidermolysis bullosa simplex 3, localized or generalized intermediate, with BP230 deficiency (EBS3). Also called: Epidermolysis bullosa simplex, autosomal recessive 2; Epidermolysis bullosa simplex due to BP230 deficiency. Identifiers: Orphanet 412181, MedGen C3809470, MONDO:0014180, OMIM 615425.

Allele frequency attached by ClinVar (database versions not stated): gnomAD 0.00002; TOPMed 0.00002.
gnomAD v4.1: 117 of 1,529,084 alleles (0.0077%); highest among the groups gnomAD compares: Non-Finnish European, 0.01%; no homozygotes.

Submissions (2):

Labcorp Genetics (formerly Invitae), Labcorp
Classification: Uncertain significance for Epidermolysis bullosa simplex 3, localized or generalized intermediate, with BP230 deficiency; Hereditary sensory and autonomic neuropathy type 6. Last evaluated: 2025-11-24. Review status: criteria provided, single submitter. Criteria: Invitae Variant Classification Sherloc (09022015). Collection method: clinical testing. Allele origin: germline.
Comment: The DST gene has multiple clinically relevant transcripts. This variant occurs in alternate transcript NM_015548.4, and corresponds to NM_001723.5:c.*21338G>T in the primary transcript. This sequence change replaces lysine, which is basic and polar, with asparagine, which is neutral and polar, at codon 1447 of the DST protein (p.Lys1447Asn). This variant is present in population databases (rs778224745, gnomAD 0.004%). This variant has not been reported in the literature in individuals affected with DST-related conditions. Experimental studies and prediction algorithms are not available or were not evaluated, and the functional significance of this variant is currently unknown. In summary, the available evidence is currently insufficient to determine the role of this variant in disease. Therefore, it has been classified as a Variant of Uncertain Significance.

Ambry Genetics
Classification: Uncertain significance for Inborn genetic diseases. Last evaluated: 2021-11-15. Review status: criteria provided, single submitter. Criteria: Ambry Variant Classification Scheme 2023. Collection method: clinical testing. Allele origin: germline.
Comment: The p.K1951N variant (also known as c.5853G>T), located in coding exon 42 of the DST gene, results from a G to T substitution at nucleotide position 5853. The lysine at codon 1951 is replaced by asparagine, an amino acid with similar properties. This amino acid position is not well conserved in available vertebrate species. In addition, this alteration is predicted to be tolerated by in silico analysis. Since supporting evidence is limited at this time, the clinical significance of this alteration remains unclear.